The following is an entry in ClinVar:

ClinVar aggregate classification (germline): Pathogenic/Likely pathogenic. Review status: criteria provided, multiple submitters, no conflicts (2 of 4 stars). 2 submissions from 2 submitters: Pathogenic (1); Likely pathogenic (1). Last evaluated 2025-03-25.

Conditions:
DYRK1A-related intellectual disability syndrome (MRD7). Also called: DYRK1A Syndrome; Intellectual developmental disorder, autosomal dominant 7. Identifiers: Orphanet 464306, MedGen C5568143, MONDO:0013578, OMIM 614104.
Inborn genetic diseases. Identifiers: MedGen C0950123, MeSH D030342.

Submissions (2):

Ambry Genetics
Classification: Pathogenic for Inborn genetic diseases. Last evaluated: 2025-03-25. Review status: criteria provided, single submitter. Criteria: Ambry Variant Classification Scheme 2023. Collection method: clinical testing. Allele origin: germline.
Comment: The c.1547-1G>C intronic variant results from a G to C substitution one nucleotide before coding exon 10 of the DYRK1A gene. This alteration occurs at the 3' terminus of the DYRK1A gene, is not expected to trigger nonsense-mediated mRNA decay, and impacts the last 32.4% of the protein. The exact functional effect of this alteration is unknown; however, a significant portion of the protein is affected (Ambry internal data). This variant was not reported in population-based cohorts in the Genome Aggregation Database (gnomAD). This nucleotide position is highly conserved in available vertebrate species. In silico splice site analysis predicts that this alteration will weaken the native splice acceptor site and will result in the creation or strengthening of a novel splice acceptor site. Based on the available evidence, this alteration is classified as pathogenic.

Juno Genomics, Hangzhou Juno Genomics, Inc
Classification: Likely pathogenic for DYRK1A-related intellectual disability syndrome. Review status: criteria provided, single submitter. Criteria: ACMG Guidelines, 2015. Collection method: clinical testing. Allele origin: germline. Affected: yes.
Comment: Absent from controls (or at extremely low frequency if recessive) in Genome Aggregation Database, Exome Sequencing Project, 1000 Genomes Project, or Exome Aggregation Consortium.;Null variant in a gene where loss of function (LOF) is a known mechanism of disease.

NM_001347721.2(DYRK1A):c.1520-1G>C

Gene: DYRK1A (dual specificity tyrosine phosphorylation regulated kinase 1A; plus strand). Cytogenetic location: 21q22.13.
Variant type: single nucleotide variant.
Coding change: c.1520-1G>C on transcript NM_001347721.2 (MANE Select); the canonical splice acceptor site of the intron before coding-DNA position 1520, G replaced by C.
Molecular consequence: splice acceptor variant. On other transcripts: intron variant (1).
Genome position (GRCh38, 1-based): chr21:37,506,098, G>C. VCF-style: chr21-37506098-G-C. GRCh37 (hg19) VCF-style: chr21-38878401-G-C.
Other names: c.1547-1G>C (NM_001396.3, NM_001396.5, NM_101395.2); c.1520-1G>C (NM_001347722.2, NM_130436.2); c.1433-1G>C (NM_001347723.2); c.1546+509G>C (NM_130438.2).
Identifiers: ClinVar variation 3382495 (VCV003382495.3).